The following is an entry in ClinVar:

NM_000059.4(BRCA2):c.2848G>A (p.Val950Ile)

Gene: BRCA2 (BRCA2 DNA repair associated; plus strand). Cytogenetic location: 13q13.1.
Variant type: single nucleotide variant.
Coding change: c.2848G>A on transcript NM_000059.4 (MANE Select); coding-DNA position 2848, G replaced by A.
Protein change: p.Val950Ile; replaces valine 950 with isoleucine.
Molecular consequence: missense variant.
Genome position (GRCh38, 1-based): chr13:32,337,203, G>A. VCF-style: chr13-32337203-G-A. GRCh37 (hg19) VCF-style: chr13-32911340-G-A.
Other names: short protein forms V950I.
Identifiers: ClinVar variation 231995 (VCV000231995.28), dbSNP rs775903570, ClinGen allele CA6940635.

ClinVar aggregate classification (germline): Conflicting classifications of pathogenicity. Review status: criteria provided, conflicting classifications (1 of 4 stars). 11 submissions from 11 submitters: Uncertain significance (5); Benign (1); Likely benign (4). 1 of the submissions does not count toward it. Last evaluated 2025-07-16.

Conditions:
Hereditary cancer-predisposing syndrome. Also called: Hereditary Cancer Syndrome; Neoplastic Syndromes, Hereditary; Tumor predisposition; Hereditary neoplastic syndrome. Identifiers: Orphanet 140162, MedGen C0027672, MeSH D009386, MONDO:0015356.
Breast and/or ovarian cancer. Identifiers: MedGen CN221562.
Breast-ovarian cancer, familial, susceptibility to, 2 (BROVCA2). Also called: BRCA2 Hereditary Breast and Ovarian Cancer. Identifiers: Orphanet 145, MedGen C2675520, MONDO:0012933, OMIM 612555. Disease mechanism: loss of function.
Hereditary breast ovarian cancer syndrome. Also called: Hereditary breast and/or ovarian cancer syndrome; BRCA1- and BRCA2-Associated Hereditary Breast and Ovarian Cancer; Hereditary breast and ovarian cancer syndrome (HBOC); Hereditary breast and ovarian cancer; Hereditary breast and ovarian cancer syndrome; Breast and ovarian cancer. Identifiers: Orphanet 145, MedGen C0677776, MeSH D061325, MONDO:0003582. Disease mechanism: loss of function.

Allele frequency attached by ClinVar (database versions not stated): ExAC 0.00002; gnomAD exomes 0.00004.

Submissions (11):

Labcorp Genetics (formerly Invitae), Labcorp
Classification: Likely benign for Hereditary breast ovarian cancer syndrome. Last evaluated: 2025-07-16. Review status: criteria provided, single submitter. Criteria: Invitae Variant Classification Sherloc (09022015). Collection method: clinical testing. Allele origin: germline.

Color Diagnostics, LLC DBA Color Health
Classification: Likely benign for Hereditary cancer-predisposing syndrome. Last evaluated: 2025-07-03. Review status: criteria provided, single submitter. Criteria: ACMG Guidelines, 2015. Collection method: clinical testing. Allele origin: germline.

Quest Diagnostics Nichols Institute San Juan Capistrano
Classification: Uncertain significance. Last evaluated: 2025-04-01. Review status: criteria provided, single submitter. Criteria: Quest Diagnostics criteria. Collection method: clinical testing. Allele origin: unknown.
Comment: The BRCA2 c.2848G>A (p.Val950Ile) variant has been reported in the published literature in individuals with prostate cancer (PMID: 31214711 (2020), PMID: 36922933 (2022)), breast cancer (PMID: 38538877 (2024), PMID: 33471991 (2021), see also LOVD) and in reportedly unaffected individuals (PMID: 33471991 (2021), see also LOVD). It has been described to be located in a region of the BRCA2 gene that is tolerant to missense sequence changes (PMID: 31911673 (2020)). The frequency of this variant in the general population (Genome Aggregation Database) is uninformative in the assessment of its pathogenicity. Analysis of this variant using bioinformatics tools for the prediction of the effect of amino acid changes on protein structure and function yielded predictions that this variant is benign. Based on the available information, we are unable to determine the clinical significance of this variant.

Ambry Genetics
Classification: Benign for Hereditary cancer-predisposing syndrome. Last evaluated: 2024-02-20. Review status: criteria provided, single submitter. Criteria: Ambry Variant Classification Scheme 2023. Collection method: clinical testing. Allele origin: germline.

Molecular Pathology, Peter Maccallum Cancer Centre
Classification: Likely benign for Breast-ovarian cancer, familial, susceptibility to, 2. Last evaluated: 2024-01-14. Review status: criteria provided, single submitter. Criteria: ACMG Guidelines, 2015. Collection method: clinical testing. Allele origin: germline. Inheritance: Autosomal dominant inheritance.

GeneDx
Classification: Uncertain significance. Last evaluated: 2023-04-28. Review status: criteria provided, single submitter. Criteria: GeneDx Variant Classification Process June 2021. Collection method: clinical testing. Allele origin: germline. Affected: yes.
Comment: Observed in at least one individual with early-onset breast cancer (Purnomosari et al., 2007); In silico analysis supports that this missense variant does not alter protein structure/function; Also known as 3076G>A; This variant is associated with the following publications: (PMID: 23929434, 17972177, 26295337, 28222693, 32377563, 31911673, 31131967, 29884841)

All of Us Research Program, National Institutes of Health
Classification: Uncertain significance for Breast-ovarian cancer, familial, susceptibility to, 2. Last evaluated: 2023-04-27. Review status: criteria provided, single submitter. Criteria: ACMG Guidelines, 2015. Collection method: clinical testing. Allele origin: germline. Inheritance: Autosomal dominant inheritance. Observed: 1 variant allele, 1 heterozygote.
Comment: This missense variant replaces valine with isoleucine at codon 950 of the BRCA2 protein. Computational prediction suggests that this variant may not impact protein structure and function (internally defined REVEL score threshold <= 0.5, PMID: 27666373). Splice site prediction tools suggest that this variant may not impact RNA splicing. To our knowledge, functional studies have not been performed for this variant. This variant has been reported in an individual affected with breast cancer (PMID: 17972177). This variant has also been identified in 9/250362 chromosomes in the general population by the Genome Aggregation Database (gnomAD). The available evidence is insufficient to determine the role of this variant in disease conclusively. Therefore, this variant is classified as a Variant of Uncertain Significance.

This study involves interpretation of variants in research participants for the purpose of population health screening. Participant phenotype was not available at the time of variant classification. Additional details can be found in publication PMID: 35346344, PMCID: PMC8962531

University of Washington Department of Laboratory Medicine, University of Washington
Classification: Likely benign for Hereditary cancer-predisposing syndrome. Last evaluated: 2023-03-23. Review status: criteria provided, single submitter. Criteria: Dines et al. (Genet Med. 2020). Collection method: curation. Allele origin: germline.
Comment: Missense variant in a coldspot region where missense variants are very unlikely to be pathogenic (PMID:31911673).

BRCA2 exon 11 coldspot. Reclassification based on statistical prior probability.

CHEO Genetics Diagnostic Laboratory, Children's Hospital of Eastern Ontario
Classification: Uncertain significance for Breast and/or ovarian cancer. Last evaluated: 2016-12-02. Review status: criteria provided, single submitter. Criteria: ACMG Guidelines, 2015. Collection method: clinical testing. Allele origin: germline. Study: Canadian Open Genetics Repository.

Molecular Endocrinology Laboratory, Christian Medical College
Classification: Uncertain significance for Breast-ovarian cancer, familial, susceptibility to, 2. Review status: criteria provided, single submitter. Criteria: ACMG Guidelines, 2015. Collection method: clinical testing. Allele origin: germline. Affected: yes.

Counsyl
Classification: Uncertain significance for Breast-ovarian cancer, familial, susceptibility to, 2. Last evaluated: 2018-05-30. Review status: no assertion criteria provided. Collection method: clinical testing. Allele origin: unknown. Not counted in ClinVar's aggregate classification.

Literature cited by the submitters: PubMed 33471991 (cited by Quest Diagnostics Nichols Institute San Juan Capistrano); PubMed 28222693 (cited by Quest Diagnostics Nichols Institute San Juan Capistrano and Counsyl); PubMed 26295337 (cited by Quest Diagnostics Nichols Institute San Juan Capistrano); PubMed 23929434 (cited by Quest Diagnostics Nichols Institute San Juan Capistrano); PubMed 17972177 (cited by 5 submitters); PubMed 31911673 (cited by Quest Diagnostics Nichols Institute San Juan Capistrano); PubMed 31214711 (cited by Quest Diagnostics Nichols Institute San Juan Capistrano); PubMed 31131967 (cited by Quest Diagnostics Nichols Institute San Juan Capistrano); PubMed 38538877 (cited by Quest Diagnostics Nichols Institute San Juan Capistrano); PubMed 39402389 (cited by Quest Diagnostics Nichols Institute San Juan Capistrano); PubMed 31853058 (cited by Quest Diagnostics Nichols Institute San Juan Capistrano); PubMed 30702160 (cited by Quest Diagnostics Nichols Institute San Juan Capistrano); PubMed 35729312 (cited by Quest Diagnostics Nichols Institute San Juan Capistrano); PubMed 36922933 (cited by Quest Diagnostics Nichols Institute San Juan Capistrano).